The following is an entry in ClinVar:

NM_194454.3(KRIT1):c.143del (p.Lys48fs)

Gene: KRIT1 (KRIT1 ankyrin repeat containing; minus strand). Cytogenetic location: 7q21.2.
Variant type: Deletion.
Coding change: c.143del on transcript NM_194454.3 (MANE Select); coding-DNA position 143, one base deleted (A; older notation c.143delA).
Protein change: p.Lys48fs; shifts the reading frame from lysine 48.
Molecular consequence: frameshift variant. On other transcripts: 5 prime UTR variant (1).
Genome position (GRCh38, 1-based): chr7:92,241,112, T deleted on the plus strand (A on the coding strand, the reverse complement: KRIT1 is on the minus strand); the first of 8 consecutive T bases (chr7:92,241,112-92,241,119); deleting any one gives the same sequence. VCF-style (leftmost placement, unchanged base first): chr7-92241111-CT-C. GRCh37 (hg19) VCF-style: chr7-91870425-CT-C.
Other names: c.143del, p.Lys48fs (NM_001013406.2, NM_001350669.1, NM_001350670.1 and 29 more transcripts); c.-441del (NM_001350671.1); c.143delA (NM_194456.1); short protein forms K48fs.
Identifiers: ClinVar variation 1453618 (VCV001453618.8), dbSNP rs776245507, ClinGen allele CA4339464.

ClinVar aggregate classification (germline): Pathogenic/Likely pathogenic. Review status: criteria provided, multiple submitters, no conflicts (2 of 4 stars). 3 submissions from 3 submitters: Pathogenic (2); Likely pathogenic (1). Last evaluated 2024-09-22.

Conditions:
KRIT1-related disorder. Also called: KRIT1-related disorders; KRIT1-related condition.
Cerebral cavernous malformation (CCM). Also called: Cerebral cavernous hemangioma (type); CAVERNOUS ANGIOMA, FAMILIAL; CAVERNOUS ANGIOMATOUS MALFORMATIONS; Cavernous Hemangioma of Brain; Cerebral cavernous malformations; CEREBRAL CAPILLARY MALFORMATIONS. Identifiers: Orphanet 221061, MedGen C2919945, MONDO:0000820, OMIM 116860, HP:0033522.

Submissions (3):

Labcorp Genetics (formerly Invitae), Labcorp
Classification: Pathogenic for Cerebral cavernous malformation. Last evaluated: 2024-09-22. Review status: criteria provided, single submitter. Criteria: Invitae Variant Classification Sherloc (09022015). Collection method: clinical testing. Allele origin: germline.
Comment: This sequence change creates a premature translational stop signal (p.Lys48Argfs*17) in the KRIT1 gene. It is expected to result in an absent or disrupted protein product. Loss-of-function variants in KRIT1 are known to be pathogenic (PMID: 10508515, 11222804, 12404106, 24689081). This variant is not present in population databases (gnomAD no frequency). This variant has not been reported in the literature in individuals affected with KRIT1-related conditions. ClinVar contains an entry for this variant (Variation ID: 1453618). For these reasons, this variant has been classified as Pathogenic.

Women's Health and Genetics/Laboratory Corporation of America, LabCorp
Classification: Pathogenic for KRIT1-Related Disorders. Last evaluated: 2023-11-17. Review status: criteria provided, single submitter. Criteria: LabCorp Variant Classification Summary - May 2015. Collection method: clinical testing. Allele origin: germline.
Comment: Variant summary: KRIT1 c.143delA (p.Lys48ArgfsX17) results in a premature termination codon, predicted to cause a truncation of the encoded protein or absence of the protein due to nonsense mediated decay, which are commonly known mechanisms for disease. The variant was absent in 250616 control chromosomes (gnomAD). To our knowledge, no occurrence of c.143delA in individuals affected with KRIT1-Related Disorders and no experimental evidence demonstrating its impact on protein function have been reported. One submitter has cited clinical-significance assessments for this variant to ClinVar after 2014 and has classified the variant as pathogenic. Based on the evidence outlined above, the variant was classified as pathogenic.

Blueprint Genetics
Classification: Likely pathogenic for KRIT1-related disorders. Last evaluated: 2023-11-10. Review status: criteria provided, single submitter. Criteria: ACMG Guidelines, 2015. Collection method: clinical testing. Allele origin: germline. Affected: yes. Observed: 2 variant alleles.

Literature cited by the submitters: PubMed 10508515 (cited by Labcorp Genetics (formerly Invitae), Labcorp); PubMed 11222804 (cited by Labcorp Genetics (formerly Invitae), Labcorp); PubMed 12404106 (cited by Labcorp Genetics (formerly Invitae), Labcorp); PubMed 24689081 (cited by Labcorp Genetics (formerly Invitae), Labcorp).